The following is an entry in ClinVar:

NM_006914.4(RORB):c.617G>C (p.Gly206Ala)

Gene: RORB (RAR related orphan receptor B; plus strand). Cytogenetic location: 9q21.13.
Variant type: single nucleotide variant.
Coding change: c.617G>C on transcript NM_006914.4 (MANE Select); coding-DNA position 617, G replaced by C.
Protein change: p.Gly206Ala; replaces glycine 206 with alanine.
Molecular consequence: missense variant.
Genome position (GRCh38, 1-based): chr9:74,642,795, G>C. VCF-style: chr9-74642795-G-C. GRCh37 (hg19) VCF-style: chr9-77257711-G-C.
Other names: c.650G>C, p.Gly217Ala (NM_001365023.1); short protein forms G206A, G217A.
Identifiers: ClinVar variation 3613442 (VCV003613442.2).

ClinVar aggregate classification (germline): Uncertain significance (1 of 4 stars; one submission).

gnomAD v4.1: 23 of 1,595,062 alleles (0.0014%); highest among the groups gnomAD compares: Non-Finnish European, 0.002%; no homozygotes.

Submission:

Labcorp Genetics (formerly Invitae), Labcorp
Classification: Uncertain significance. Last evaluated: 2024-04-24. Review status: criteria provided, single submitter. Criteria: Invitae Variant Classification Sherloc (09022015). Collection method: clinical testing. Allele origin: germline.
Comment: This sequence change replaces glycine, which is neutral and non-polar, with alanine, which is neutral and non-polar, at codon 206 of the RORB protein (p.Gly206Ala). This variant is present in population databases (rs767614180, gnomAD 0.002%). This variant has not been reported in the literature in individuals affected with RORB-related conditions. An algorithm developed to predict the effect of missense changes on protein structure and function (PolyPhen-2) suggests that this variant is likely to be tolerated. In summary, the available evidence is currently insufficient to determine the role of this variant in disease. Therefore, it has been classified as a Variant of Uncertain Significance.